The following is an entry in ClinVar:

NM_000256.3(MYBPC3):c.293-4C>G

Gene: MYBPC3 (myosin binding protein C3; minus strand). Cytogenetic location: 11p11.2.
Variant type: single nucleotide variant.
Coding change: c.293-4C>G on transcript NM_000256.3 (MANE Select); 4 bases into the intron before coding-DNA position 293, C replaced by G.
Molecular consequence: intron variant.
Genome position (GRCh38, 1-based): chr11:47,350,619, G>C on the plus strand (C>G on the coding strand, the complement: MYBPC3 is on the minus strand). VCF-style: chr11-47350619-G-C. GRCh37 (hg19) VCF-style: chr11-47372170-G-C.
Identifiers: ClinVar variation 1797850 (VCV001797850.2), dbSNP rs2495783983, ClinGen allele CA2574816142.

ClinVar aggregate classification (germline): Uncertain significance (1 of 4 stars; one submission).

Conditions:
Cardiovascular phenotype. Identifiers: MedGen CN230736.

Submission:

Ambry Genetics
Classification: Uncertain significance for Cardiovascular phenotype. Last evaluated: 2021-03-17. Review status: criteria provided, single submitter. Criteria: Ambry Variant Classification Scheme 2023. Collection method: clinical testing. Allele origin: germline.
Comment: The c.293-4C>G intronic variant results from a C to G substitution 4 nucleotides upstream from coding exon 3 in the MYBPC3 gene. This nucleotide position is not well conserved in available vertebrate species. In silico splice site analysis predicts that this alteration will not have any significant effect on splicing. Since supporting evidence is limited at this time, the clinical significance of this alteration remains unclear.